The following is an entry in ClinVar:

NM_017838.4(NHP2):c.422A>G (p.Glu141Gly)

Genes: NHP2 (NHP2 ribonucleoprotein; minus strand), RMND5B (required for meiotic nuclear division 5 homolog B; plus strand). Cytogenetic location: 5q35.3.
Variant type: single nucleotide variant.
Coding change: c.422A>G on transcript NM_017838.4 (MANE Select); coding-DNA position 422, A replaced by G.
Protein change: p.Glu141Gly; replaces glutamic acid 141 with glycine.
Molecular consequence: missense variant. On other transcripts: 3 prime UTR variant (5).
Genome position (GRCh38, 1-based): chr5:178,149,753, T>C on the plus strand (A>G on the coding strand, the complement: NHP2 is on the minus strand). VCF-style: chr5-178149753-T-C. GRCh37 (hg19) VCF-style: chr5-177576754-T-C.
Other names: c.*43A>G (NM_001034833.2, NM_001396110.1); c.*1721T>C (NM_001288794.2, NM_001288795.2, NM_022762.5); short protein forms E141G.
Identifiers: ClinVar variation 2106996 (VCV002106996.4), dbSNP rs2480675453, ClinGen allele CA362390995.

ClinVar aggregate classification (germline): Uncertain significance (1 of 4 stars; one submission).

Conditions:
Dyskeratosis congenita. Identifiers: Orphanet 1775, MedGen C0265965, MONDO:0015780.

Submission:

Labcorp Genetics (formerly Invitae), Labcorp
Classification: Uncertain significance for Dyskeratosis congenita. Last evaluated: 2024-10-29. Review status: criteria provided, single submitter. Criteria: Invitae Variant Classification Sherloc (09022015). Collection method: clinical testing. Allele origin: germline.
Comment: This sequence change replaces glutamic acid, which is acidic and polar, with glycine, which is neutral and non-polar, at codon 141 of the NHP2 protein (p.Glu141Gly). This variant is not present in population databases (gnomAD no frequency). This variant has not been reported in the literature in individuals affected with NHP2-related conditions. ClinVar contains an entry for this variant (Variation ID: 2106996). An algorithm developed to predict the effect of missense changes on protein structure and function (PolyPhen-2) suggests that this variant is likely to be disruptive. In summary, the available evidence is currently insufficient to determine the role of this variant in disease. Therefore, it has been classified as a Variant of Uncertain Significance.